The following is an entry in ClinVar:

ClinVar aggregate classification (germline): Uncertain significance (1 of 4 stars; one submission).

Conditions:
Symmetrical dyschromatosis of extremities (DSH). Also called: DYSCHROMATOSIS SYMMETRICA HEREDITARIA 1; RETICULATE ACROPIGMENTATION OF DOHI; SYMMETRIC DYSCHROMATOSIS OF THE EXTREMITIES; Dyschromatosis symmetrica hereditaria. Identifiers: Orphanet 41, MedGen C0406775, MONDO:0007483, OMIM 127400.
Aicardi-Goutieres syndrome 6 (AGS6). Identifiers: Orphanet 51, MedGen C3539013, MONDO:0014007, OMIM 615010.

Allele frequency attached by ClinVar (database versions not stated): ExAC 0.00001; gnomAD 0.00001.
gnomAD v4.1: 1 of 1,614,058 alleles (0.000062%); highest among the groups gnomAD compares: East Asian, 0.0022%; no homozygotes.

Submission:

Labcorp Genetics (formerly Invitae), Labcorp
Classification: Uncertain significance for Aicardi-Goutieres syndrome 6; Symmetrical dyschromatosis of extremities. Last evaluated: 2023-12-30. Review status: criteria provided, single submitter. Criteria: Invitae Variant Classification Sherloc (09022015). Collection method: clinical testing. Allele origin: germline.
Comment: This sequence change affects codon 648 of the ADAR mRNA. It is a 'silent' change, meaning that it does not change the encoded amino acid sequence of the ADAR protein. This variant is present in population databases (rs756789824, gnomAD 0.006%). This variant has not been reported in the literature in individuals affected with ADAR-related conditions. Algorithms developed to predict the effect of sequence changes on RNA splicing suggest that this variant may create or strengthen a splice site. In summary, the available evidence is currently insufficient to determine the role of this variant in disease. Therefore, it has been classified as a Variant of Uncertain Significance.

NM_001111.5(ADAR):c.1944C>T (p.Tyr648=)

Gene: ADAR (adenosine deaminase RNA specific; minus strand). Cytogenetic location: 1q21.3.
Variant type: single nucleotide variant.
Coding change: c.1944C>T on transcript NM_001111.5 (MANE Select); coding-DNA position 1944, C replaced by T.
Protein change: p.Tyr648=; no amino-acid change (tyrosine 648 retained).
Molecular consequence: synonymous variant.
Genome position (GRCh38, 1-based): chr1:154,597,258, G>A on the plus strand (C>T on the coding strand, the complement: ADAR is on the minus strand). VCF-style: chr1-154597258-G-A. GRCh37 (hg19) VCF-style: chr1-154569734-G-A.
Other names: c.1059C>T, p.Tyr353= (NM_001193495.2, NM_001025107.3, NM_001365046.1 and 3 more transcripts); c.1971C>T, p.Tyr657= (NM_001365045.1); c.1944C>T, p.Tyr648= (NM_015840.4, NM_015841.4).
Identifiers: ClinVar variation 2921786 (VCV002921786.3), dbSNP rs756789824, ClinGen allele CA1131407.